The following is an entry in ClinVar:

ClinVar aggregate classification (germline): Uncertain significance (1 of 4 stars; one submission).

Conditions:
Deficiency of acetyl-CoA acetyltransferase. Also called: Beta-ketothiolase deficiency; MITOCHONDRIAL ACETOACETYL-CoA THIOLASE DEFICIENCY; 3-KETOTHIOLASE DEFICIENCY; 3-OXOTHIOLASE DEFICIENCY. Identifiers: Orphanet 134, MedGen C1536500, MONDO:0008760, OMIM 203750. Disease mechanism: loss of function.

Allele frequency attached by ClinVar (database versions not stated): gnomAD 0.00001; TOPMed 0.00001; ExAC 0.00002; gnomAD exomes 0.00002.
gnomAD v4.1: 27 of 1,613,942 alleles (0.0017%); highest among the groups gnomAD compares: East Asian, 0.0045%; no homozygotes.

Submission:

Labcorp Genetics (formerly Invitae), Labcorp
Classification: Uncertain significance for Deficiency of acetyl-CoA acetyltransferase. Last evaluated: 2022-03-27. Review status: criteria provided, single submitter. Criteria: Invitae Variant Classification Sherloc (09022015). Collection method: clinical testing. Allele origin: germline.
Comment: This sequence change replaces alanine, which is neutral and non-polar, with valine, which is neutral and non-polar, at codon 301 of the ACAT1 protein (p.Ala301Val). This variant is present in population databases (rs747860630, gnomAD 0.004%). This variant has not been reported in the literature in individuals affected with ACAT1-related conditions. Advanced modeling of protein sequence and biophysical properties (such as structural, functional, and spatial information, amino acid conservation, physicochemical variation, residue mobility, and thermodynamic stability) performed at Invitae indicates that this missense variant is not expected to disrupt ACAT1 protein function. This variant disrupts the p.Ala301 amino acid residue in ACAT1. Other variant(s) that disrupt this residue have been determined to be pathogenic (PMID: 7728148, 7749408). This suggests that this residue is clinically significant, and that variants that disrupt this residue are likely to be disease-causing. In summary, the available evidence is currently insufficient to determine the role of this variant in disease. Therefore, it has been classified as a Variant of Uncertain Significance.

Literature cited by the submitters: PubMed 7728148; PubMed 7749408.

NM_000019.4(ACAT1):c.902C>T (p.Ala301Val)

Gene: ACAT1 (acetyl-CoA acetyltransferase 1; plus strand). Cytogenetic location: 11q22.3.
Variant type: single nucleotide variant.
Coding change: c.902C>T on transcript NM_000019.4 (MANE Select); coding-DNA position 902, C replaced by T.
Protein change: p.Ala301Val; replaces alanine 301 with valine.
Molecular consequence: missense variant. On other transcripts: non-coding transcript variant (2).
Genome position (GRCh38, 1-based): chr11:108,142,512, C>T. VCF-style: chr11-108142512-C-T. GRCh37 (hg19) VCF-style: chr11-108013239-C-T.
Other names: c.902C>T, p.Ala301Val (NM_001386677.1); c.587C>T, p.Ala196Val (NM_001386678.1); c.605C>T, p.Ala202Val (NM_001386679.1); c.632C>T, p.Ala211Val (NM_001386681.1, NM_001386682.1, NM_001386685.1 and 6 more transcripts); short protein forms A196V, A211V, A202V, A301V.
Identifiers: ClinVar variation 1399047 (VCV001399047.5), dbSNP rs747860630, ClinGen allele CA6263246.
Genomic context (GRCh38, chr11:108,142,512, plus strand): 5'-CCAATGCCAGTACACTGAATGATGGAGCAGCTGCTCTGGTTCTCATGACGGCAGATGCAG[C>T]GAAGAGGCTCAATGTTACACCACTGGCAAGAATAGTAGGTAAGGCCAGGCGAGGTGGCTC-3'
Protein context (NP_000010.1, residues 291-311): AALVLMTADA[Ala301Val]KRLNVTPLAR